The following is an entry in ClinVar:

NM_000293.3(PHKB):c.530T>C (p.Leu177Pro)

Gene: PHKB (phosphorylase kinase regulatory subunit beta; plus strand). Cytogenetic location: 16q12.1.
Variant type: single nucleotide variant.
Coding change: c.530T>C on transcript NM_000293.3 (MANE Select); coding-DNA position 530, T replaced by C.
Protein change: p.Leu177Pro; replaces leucine 177 with proline.
Molecular consequence: missense variant.
Genome position (GRCh38, 1-based): chr16:47,515,537, T>C. VCF-style: chr16-47515537-T-C. GRCh37 (hg19) VCF-style: chr16-47549448-T-C.
Other names: c.509T>C, p.Leu170Pro (NM_001031835.3); c.530T>C, p.Leu177Pro (NM_001363837.1); short protein forms L170P, L177P.
Identifiers: ClinVar variation 845451 (VCV000845451.8), dbSNP rs770841932, ClinGen allele CA8040525.

ClinVar aggregate classification (germline): Uncertain significance (1 of 4 stars; one submission).

Conditions:
Glycogen storage disease IXb (GSD9B). Also called: PHOSPHORYLASE KINASE DEFICIENCY OF LIVER AND MUSCLE, AUTOSOMAL RECESSIVE; GLYCOGENOSIS OF LIVER AND MUSCLE, AUTOSOMAL RECESSIVE; GSD IXb. Identifiers: Orphanet 79240, MedGen C0543514, MONDO:0009868, OMIM 261750.

gnomAD v4.1: 11 of 1,465,258 alleles (0.00075%); highest among the groups gnomAD compares: African/African-American, 0.0014%; no homozygotes.

Submission:

Labcorp Genetics (formerly Invitae), Labcorp
Classification: Uncertain significance for Glycogen storage disease IXb. Last evaluated: 2022-06-26. Review status: criteria provided, single submitter. Criteria: Invitae Variant Classification Sherloc (09022015). Collection method: clinical testing. Allele origin: germline.
Comment: Algorithms developed to predict the effect of missense changes on protein structure and function are either unavailable or do not agree on the potential impact of this missense change (SIFT: "Deleterious"; PolyPhen-2: "Probably Damaging"; Align-GVGD: "Class C0"). This sequence change replaces leucine, which is neutral and non-polar, with proline, which is neutral and non-polar, at codon 177 of the PHKB protein (p.Leu177Pro). This variant is present in population databases (rs770841932, gnomAD 0.0009%). This variant has not been reported in the literature in individuals affected with PHKB-related conditions. ClinVar contains an entry for this variant (Variation ID: 845451). In summary, the available evidence is currently insufficient to determine the role of this variant in disease. Therefore, it has been classified as a Variant of Uncertain Significance.